The following is an entry in ClinVar:

ClinVar aggregate classification (germline): Uncertain significance (1 of 4 stars; one submission).

Conditions:
Cataract 6 multiple types. Also called: CATARACT 6, POSTERIOR POLAR; CATARACT 6, CONGENITAL TOTAL; CATARACT, AGE-RELATED CORTICAL, 2. Identifiers: Orphanet 91492, MedGen C1861825, MONDO:0007288, OMIM 116600.

gnomAD v4.1: 8 of 1,613,614 alleles (0.0005%); highest among the groups gnomAD compares: Admixed American, 0.0033%; no homozygotes.

Submission:

Labcorp Genetics (formerly Invitae), Labcorp
Classification: Uncertain significance for Cataract 6 multiple types. Last evaluated: 2025-11-22. Review status: criteria provided, single submitter. Criteria: Invitae Variant Classification Sherloc (09022015). Collection method: clinical testing. Allele origin: germline.
Comment: This sequence change replaces alanine, which is neutral and non-polar, with threonine, which is neutral and polar, at codon 275 of the EPHA2 protein (p.Ala275Thr). This variant also falls at the last nucleotide of exon 3, which is part of the consensus splice site for this exon. This variant is present in population databases (rs185808210, gnomAD 0.003%). This variant has not been reported in the literature in individuals affected with EPHA2-related conditions. An algorithm developed to predict the effect of missense changes on protein structure and function (PolyPhen-2) suggests that this variant is likely to be tolerated. Variants that disrupt the consensus splice site are a relatively common cause of aberrant splicing (PMID: 17576681, 9536098). In summary, the available evidence is currently insufficient to determine the role of this variant in disease. Therefore, it has been classified as a Variant of Uncertain Significance.

Literature cited by the submitters: PubMed 17576681; PubMed 9536098.

NM_004431.5(EPHA2):c.823G>A (p.Ala275Thr)

Gene: EPHA2 (EPH receptor A2; minus strand). Cytogenetic location: 1p36.13.
Variant type: single nucleotide variant.
Coding change: c.823G>A on transcript NM_004431.5 (MANE Select); coding-DNA position 823, G replaced by A.
Protein change: p.Ala275Thr; replaces alanine 275 with threonine.
Molecular consequence: missense variant.
Genome position (GRCh38, 1-based): chr1:16,148,378, C>T on the plus strand (G>A on the coding strand, the complement: EPHA2 is on the minus strand). VCF-style: chr1-16148378-C-T. GRCh37 (hg19) VCF-style: chr1-16474873-C-T.
Other names: c.661G>A, p.Ala221Thr (NM_001329090.2); short protein forms A275T, A221T.
Identifiers: ClinVar variation 4736715 (VCV004736715.1).
Genomic context (GRCh38, chr1:16,148,378, plus strand): 5'-TAAAGACCAGAACCTGGGAATGCAGAACCCCCTTCCCTGCAACCCAGAACCGTCACTCAC[C>T]CTGGCAGGCATCCTCCACCTTCTCGTAGCCTGCCTGGCACAGGCACTGCCCAATGGGCAC-3'
Protein context (NP_004422.2, residues 265-285): GYEKVEDACQ[Ala275Thr]CSPGFFKFEA